The following is an entry in ClinVar:

ClinVar aggregate classification (germline): Pathogenic (1 of 4 stars; one submission).

Conditions:
Peroxisome biogenesis disorder 2B (PBD2B). Identifiers: Orphanet 44, MedGen C3550234, MONDO:0008736, OMIM 202370.

Submission:

Labcorp Genetics (formerly Invitae), Labcorp
Classification: Pathogenic for Peroxisome biogenesis disorder 2B. Last evaluated: 2021-08-11. Review status: criteria provided, single submitter. Criteria: Invitae Variant Classification Sherloc (09022015). Collection method: clinical testing. Allele origin: germline.
Comment: This sequence change creates a premature translational stop signal (p.Leu270Profs*2) in the PEX5 gene. It is expected to result in an absent or disrupted protein product. Loss-of-function variants in PEX5 are known to be pathogenic (PMID: 18712838, 21031596). This variant is not present in population databases (ExAC no frequency). This variant has not been reported in the literature in individuals affected with PEX5-related conditions. For these reasons, this variant has been classified as Pathogenic.

Literature cited by the submitters: PubMed 18712838; PubMed 21031596.

NM_001351132.2(PEX5):c.808dup (p.Leu270fs)

Gene: PEX5 (peroxisomal biogenesis factor 5; plus strand). Cytogenetic location: 12p13.31.
Variant type: Duplication.
Coding change: c.808dup on transcript NM_001351132.2 (MANE Select); coding-DNA position 808, one base duplicated (C; older notation c.808dupC).
Protein change: p.Leu270fs; shifts the reading frame from leucine 270.
Molecular consequence: frameshift variant.
Genome position (GRCh38, 1-based): chr12:7,202,666, C duplicated; the last of 3 consecutive C bases (chr12:7,202,664-7,202,666); duplicating any one gives the same sequence. VCF-style (leftmost placement, unchanged base first): chr12-7202663-G-GC. GRCh37 (hg19) VCF-style: chr12-7355259-G-GC.
Other names: c.808dup, p.Leu270fs (NM_000319.5, NM_001131025.2, NM_001131026.2 and 6 more transcripts); c.853dup, p.Leu285fs (NM_001131023.2); c.697dup, p.Leu233fs (NM_001131024.2, NM_001351124.3, NM_001351126.2 and 10 more transcripts); c.742dup, p.Leu248fs (NM_001351135.3, NM_001351138.2); short protein forms L233fs, L248fs, L270fs, L285fs.
Identifiers: ClinVar variation 1362943 (VCV001362943.6), dbSNP rs2136158689, ClinGen allele CA2573148424.